The following is an entry in ClinVar:

ClinVar aggregate classification (germline): Uncertain significance (1 of 4 stars; one submission).

Allele frequency attached by ClinVar (database versions not stated): gnomAD exomes below 0.00001; gnomAD 0.00001; TOPMed 0.00001.

Submission:

Labcorp Genetics (formerly Invitae), Labcorp
Classification: Uncertain significance for Combined immunodeficiency due to DOCK8 deficiency. Last evaluated: 2022-10-26. Review status: criteria provided, single submitter. Criteria: Invitae Variant Classification Sherloc (09022015). Collection method: clinical testing. Allele origin: germline.
Comment: This sequence change replaces arginine, which is basic and polar, with histidine, which is basic and polar, at codon 1201 of the DOCK8 protein (p.Arg1201His). This variant is present in population databases (no rsID available, gnomAD 0.007%). This variant has not been reported in the literature in individuals affected with DOCK8-related conditions. Advanced modeling of protein sequence and biophysical properties (such as structural, functional, and spatial information, amino acid conservation, physicochemical variation, residue mobility, and thermodynamic stability) performed at Invitae indicates that this missense variant is expected to disrupt DOCK8 protein function. In summary, the available evidence is currently insufficient to determine the role of this variant in disease. Therefore, it has been classified as a Variant of Uncertain Significance.

NM_203447.4(DOCK8):c.3602G>A (p.Arg1201His)

Gene: DOCK8 (dedicator of cytokinesis 8; plus strand). Cytogenetic location: 9p24.3.
Variant type: single nucleotide variant.
Coding change: c.3602G>A on transcript NM_203447.4 (MANE Select); coding-DNA position 3602, G replaced by A.
Protein change: p.Arg1201His; replaces arginine 1201 with histidine.
Molecular consequence: missense variant.
Genome position (GRCh38, 1-based): chr9:414,853, G>A. VCF-style: chr9-414853-G-A. GRCh37 (hg19) VCF-style: chr9-414853-G-A.
Other names: c.3302G>A, p.Arg1101His (NM_001190458.2); c.3398G>A, p.Arg1133His (NM_001193536.2); short protein forms R1201H, R1101H, R1133H.
Identifiers: ClinVar variation 2117583 (VCV002117583.3), dbSNP rs983316239, ClinGen allele CA187777439.